The following is an entry in ClinVar:

ClinVar aggregate classification (germline): Uncertain significance (1 of 4 stars; one submission).

Submission:

Labcorp Genetics (formerly Invitae), Labcorp
Classification: Uncertain significance. Last evaluated: 2023-01-25. Review status: criteria provided, single submitter. Criteria: Invitae Variant Classification Sherloc (09022015). Collection method: clinical testing. Allele origin: germline.
Comment: This sequence change falls in intron 8 of the C1S gene. It does not directly change the encoded amino acid sequence of the C1S protein. It affects a nucleotide within the consensus splice site. This variant is not present in population databases (gnomAD no frequency). This variant has not been reported in the literature in individuals affected with C1S-related conditions. Variants that disrupt the consensus splice site are a relatively common cause of aberrant splicing (PMID: 17576681, 9536098). Algorithms developed to predict the effect of sequence changes on RNA splicing suggest that this variant is not likely to affect RNA splicing. In summary, the available evidence is currently insufficient to determine the role of this variant in disease. Therefore, it has been classified as a Variant of Uncertain Significance.

Literature cited by the submitters: PubMed 17576681; PubMed 9536098.

NM_001734.5(C1S):c.987+5del

Gene: C1S (complement C1s; plus strand). Cytogenetic location: 12p13.31.
Variant type: Deletion.
Coding change: c.987+5del on transcript NM_001734.5 (MANE Select); 5 bases into the intron after coding-DNA position 987, one base deleted (A; older notation c.987+5delA).
Molecular consequence: intron variant.
Genome position (GRCh38, 1-based): chr12:7,066,638, A deleted; the last of 3 consecutive A bases (chr12:7,066,636-7,066,638); deleting any one gives the same sequence. VCF-style (leftmost placement, unchanged base first): chr12-7066635-TA-T. GRCh37 (hg19) VCF-style: chr12-7173939-TA-T.
Other names: c.987+5del (NM_201442.4); c.486+5del (NM_001346850.2).
Identifiers: ClinVar variation 2811975 (VCV002811975.3), dbSNP rs2539601610, ClinGen allele CA2739271845.